The following is an entry in ClinVar:

NM_000264.5(PTCH1):c.4151C>T (p.Pro1384Leu)

Gene: PTCH1 (patched 1; minus strand). Cytogenetic location: 9q22.32.
Variant type: single nucleotide variant.
Coding change: c.4151C>T on transcript NM_000264.5 (MANE Select); coding-DNA position 4151, C replaced by T.
Protein change: p.Pro1384Leu; replaces proline 1384 with leucine.
Molecular consequence: missense variant. On other transcripts: non-coding transcript variant (1).
Genome position (GRCh38, 1-based): chr9:95,447,105, G>A on the plus strand (C>T on the coding strand, the complement: PTCH1 is on the minus strand). VCF-style: chr9-95447105-G-A. GRCh37 (hg19) VCF-style: chr9-98209387-G-A.
Other names: c.3953C>T, p.Pro1318Leu (NM_001083602.3); c.4148C>T, p.Pro1383Leu (NM_001083603.3); c.3698C>T, p.Pro1233Leu (NM_001083604.3, NM_001083605.3, NM_001083606.3 and 1 more transcripts); c.3995C>T, p.Pro1332Leu (NM_001354918.2); short protein forms P1318L, P1384L, P1332L, P1233L, P1383L.
Identifiers: ClinVar variation 569000 (VCV000569000.23), dbSNP rs146447673, ClinGen allele CA5137939.

ClinVar aggregate classification (germline): Conflicting classifications of pathogenicity. Review status: criteria provided, conflicting classifications (1 of 4 stars). 4 submissions from 4 submitters: Uncertain significance (2); Benign (1); Likely benign (1). Last evaluated 2026-01-31.

Conditions:
Hereditary cancer-predisposing syndrome. Also called: Neoplastic Syndromes, Hereditary; Hereditary Cancer Syndrome; Hereditary neoplastic syndrome; Tumor predisposition. Identifiers: Orphanet 140162, MedGen C0027672, MeSH D009386, MONDO:0015356.
Gorlin syndrome. Also called: Nevoid Basal Cell Carcinoma Syndrome; Basal cell nevus syndrome. Identifiers: Orphanet 377, MedGen C0004779, MONDO:0007187.

Allele frequency attached by ClinVar (database versions not stated): gnomAD 0.00004 and 0.00002; gnomAD exomes 0.00003 and 0.00004; ESP Exome Variant Server 0.00008; TOPMed 0.00005; ExAC 0.00003.
gnomAD v4.1: 68 of 1,613,488 alleles (0.0042%); highest among the groups gnomAD compares: South Asian, 0.014%; 1 homozygote.

Submissions (4):

Labcorp Genetics (formerly Invitae), Labcorp
Classification: Benign for Gorlin syndrome. Last evaluated: 2026-01-31. Review status: criteria provided, single submitter. Criteria: Invitae Variant Classification Sherloc (09022015). Collection method: clinical testing. Allele origin: germline.

Dasa
Classification: Uncertain significance. Last evaluated: 2025-12-23. Review status: criteria provided, single submitter. Criteria: DASA Assertion Criteria. Collection method: clinical testing. Allele origin: germline.
Comment: NM_000264.5(PTCH1):c.4151C>T (p.Pro1384Leu) is a missense variant that results in the substitution of proline with leucine. This variant is rare in population databases. Computational prediction algorithms are consistent with a benign effect. The currently available literature and clinical evidence are not sufficient to establish a definitive association between this variant and the reported condition. Therefore, this variant is classified as a variant of uncertain significance.

St. Jude Molecular Pathology, St. Jude Children's Research Hospital
Classification: Uncertain significance for Basal cell nevus syndrome 1. Last evaluated: 2022-12-08. Review status: criteria provided, single submitter. Criteria: St. Jude Assertion Criteria 2020. Collection method: clinical testing. Allele origin: germline.
Comment: The PTCH1 c.4151C>T (p.Pro1384Leu) missense change has a maximum subpopulation frequency of 0.013% in gnomAD v2.1.1. The in silico tool REVEL predicts a benign effect on protein function, but to our knowledge this prediction has not been confirmed by functional studies. To our knowledge, this variant has not been reported in individuals with nevoid basal cell carcinoma syndrome. In summary, the evidence currently available is insufficient to determine the clinical significance of this variant. It has therefore been classified as of uncertain significance.

Ambry Genetics
Classification: Likely benign for Hereditary cancer-predisposing syndrome. Last evaluated: 2021-03-18. Review status: criteria provided, single submitter. Criteria: Ambry Variant Classification Scheme 2023. Collection method: clinical testing. Allele origin: germline.